The following is an entry in ClinVar:

NM_033026.6(PCLO):c.6910G>A (p.Ala2304Thr)

Gene: PCLO (piccolo presynaptic cytomatrix protein; minus strand). Cytogenetic location: 7q21.11.
Variant type: single nucleotide variant.
Coding change: c.6910G>A on transcript NM_033026.6 (MANE Select); coding-DNA position 6910, G replaced by A.
Protein change: p.Ala2304Thr; replaces alanine 2304 with threonine.
Molecular consequence: missense variant.
Genome position (GRCh38, 1-based): chr7:82,954,043, C>T on the plus strand (G>A on the coding strand, the complement: PCLO is on the minus strand). VCF-style: chr7-82954043-C-T. GRCh37 (hg19) VCF-style: chr7-82583359-C-T.
Other names: c.6910G>A, p.Ala2304Thr (NM_014510.3); short protein forms A2304T.
Identifiers: ClinVar variation 1713777 (VCV001713777.5), dbSNP rs770194602, ClinGen allele CA4320391.

ClinVar aggregate classification (germline): Uncertain significance (1 of 4 stars; one submission).

Allele frequency attached by ClinVar (database versions not stated): ExAC 0.00001.
gnomAD v4.1: 6 of 1,613,768 alleles (0.00037%); highest among the groups gnomAD compares: South Asian, 0.0044%; no homozygotes.

Submission:

Labcorp Genetics (formerly Invitae), Labcorp
Classification: Uncertain significance. Last evaluated: 2022-10-14. Review status: criteria provided, single submitter. Criteria: Invitae Variant Classification Sherloc (09022015). Collection method: clinical testing. Allele origin: germline.
Comment: In summary, the available evidence is currently insufficient to determine the role of this variant in disease. Therefore, it has been classified as a Variant of Uncertain Significance. Algorithms developed to predict the effect of missense changes on protein structure and function output the following: SIFT: "Tolerated"; PolyPhen-2: "Not Available"; Align-GVGD: "Class C0". The threonine amino acid residue is found in multiple mammalian species, which suggests that this missense change does not adversely affect protein function. This sequence change replaces alanine, which is neutral and non-polar, with threonine, which is neutral and polar, at codon 2304 of the PCLO protein (p.Ala2304Thr). This variant is present in population databases (rs770194602, gnomAD 0.003%). This variant has not been reported in the literature in individuals affected with PCLO-related conditions.